The following is an entry in ClinVar:

NM_000245.4(MET):c.3360A>G (p.Glu1120=)

Gene: MET (MET proto-oncogene, receptor tyrosine kinase; plus strand). Cytogenetic location: 7q31.2.
Variant type: single nucleotide variant.
Coding change: c.3360A>G on transcript NM_000245.4 (MANE Select); coding-DNA position 3360, A replaced by G.
Protein change: p.Glu1120=; no amino-acid change (glutamic acid 1120 retained).
Molecular consequence: synonymous variant.
Genome position (GRCh38, 1-based): chr7:116,778,795, A>G. VCF-style: chr7-116778795-A-G. GRCh37 (hg19) VCF-style: chr7-116418849-A-G.
Other names: c.3414A>G, p.Glu1138= (NM_001127500.3); c.2070A>G, p.Glu690= (NM_001324402.2).
Identifiers: ClinVar variation 1731193 (VCV001731193.4), dbSNP rs1795066858, ClinGen allele CA457218689.

ClinVar aggregate classification (germline): Benign/Likely benign. Review status: criteria provided, multiple submitters, no conflicts (2 of 4 stars). 3 submissions from 3 submitters: Benign (1); Likely benign (2). Last evaluated 2026-01-10.

Conditions:
Hereditary cancer-predisposing syndrome. Also called: Neoplastic Syndromes, Hereditary; Tumor predisposition; Hereditary Cancer Syndrome; Hereditary neoplastic syndrome. Identifiers: Orphanet 140162, MedGen C0027672, MeSH D009386, MONDO:0015356.
Renal cell carcinoma. Identifiers: Orphanet 217071, MedGen C0007134, MeSH D002292, MONDO:0005086, HP:0005584.
Papillary renal cell carcinoma type 1 (RCCP1). Also called: RENAL CELL CARCINOMA, PAPILLARY, 1, SOMATIC; Renal adenocarcinoma; Renal cell carcinoma 1; Renal cell carcinoma, somatic. Identifiers: Orphanet 47044, MedGen C1336839, OMIM 605074, HP:0011797.

Submissions (3):

Labcorp Genetics (formerly Invitae), Labcorp
Classification: Likely benign for Renal cell carcinoma. Last evaluated: 2026-01-10. Review status: criteria provided, single submitter. Criteria: Invitae Variant Classification Sherloc (09022015). Collection method: clinical testing. Allele origin: germline.

Myriad Genetics, Inc.
Classification: Benign for Papillary renal cell carcinoma type 1. Last evaluated: 2024-11-13. Review status: criteria provided, single submitter. Criteria: Myriad Autosomal Dominant, Autosomal Recessive and X-Linked Classification Criteria (2023). Collection method: clinical testing. Allele origin: unknown.
Comment: This variant is considered benign. This variant is a silent/synonymous amino acid change and it is not expected to impact splicing.

Ambry Genetics
Classification: Likely benign for Hereditary cancer-predisposing syndrome. Last evaluated: 2022-03-02. Review status: criteria provided, single submitter. Criteria: Ambry Variant Classification Scheme 2023. Collection method: clinical testing. Allele origin: germline.